The following is an entry in ClinVar:

ClinVar aggregate classification (germline): Uncertain significance (1 of 4 stars; one submission).

Allele frequency attached by ClinVar (database versions not stated): gnomAD exomes below 0.00001; gnomAD 0.00002; TOPMed 0.00002.
gnomAD v4.1: 4 of 1,614,068 alleles (0.00025%); highest among the groups gnomAD compares: Admixed American, 0.0033%; no homozygotes.

Submission:

Ambry Genetics
Classification: Uncertain significance. Last evaluated: 2022-04-04. Review status: criteria provided, single submitter. Criteria: Ambry Variant Classification Scheme 2023. Collection method: clinical testing. Allele origin: germline.
Comment: The p.L1061S variant (also known as c.3182T>C), located in coding exon 4 of the ALPK2 gene, results from a T to C substitution at nucleotide position 3182. The leucine at codon 1061 is replaced by serine, an amino acid with dissimilar properties. This amino acid position is conserved. In addition, this alteration is predicted to be tolerated by in silico analysis. Since supporting evidence is limited at this time, the clinical significance of this alteration remains unclear.

NM_052947.4(ALPK2):c.3182T>C (p.Leu1061Ser)

Gene: ALPK2 (alpha kinase 2; minus strand). Cytogenetic location: 18q21.31.
Variant type: single nucleotide variant.
Coding change: c.3182T>C on transcript NM_052947.4 (MANE Select); coding-DNA position 3182, T replaced by C.
Protein change: p.Leu1061Ser; replaces leucine 1061 with serine.
Molecular consequence: missense variant.
Genome position (GRCh38, 1-based): chr18:58,537,005, A>G on the plus strand (T>C on the coding strand, the complement: ALPK2 is on the minus strand). VCF-style: chr18-58537005-A-G. GRCh37 (hg19) VCF-style: chr18-56204237-A-G.
Other names: short protein forms L1061S.
Identifiers: ClinVar variation 1728558 (VCV001728558.2), dbSNP rs1159497314, ClinGen allele CA402568928.